The following is an entry in ClinVar:

ClinVar aggregate classification (germline): Likely pathogenic (0 of 4 stars; one submission).

Conditions:
MUTYH-related disorder. Also called: MUTYH-related condition; MUTYH-related disorders.

Submission:

PreventionGenetics, part of Exact Sciences
Classification: Likely pathogenic for MUTYH-related condition. Last evaluated: 2024-08-26. Review status: no assertion criteria provided. Collection method: clinical testing. Allele origin: germline.
Comment: The MUTYH c.1506_1515delinsCTG variant is predicted to result in premature protein termination (p.Gly503*). This variant results in the loss of the PCNA-binding motif, which is critical to protein function (Chang et al. 2002. PubMed ID:11805113; Brinkmeyer et al. 2015. PubMed ID: 26377631; Parker et al. 2001. PubMed ID: 11092888). To our knowledge, this variant has not been reported in the literature or in a large population database, indicating this variant is rare. Frameshift variants in MUTYH are expected to be pathogenic. This variant is interpreted as likely pathogenic.

NM_001048174.2(MUTYH):c.1422_1431delinsCTG (p.Pro474_Gly475insTer)

Gene: MUTYH (mutY DNA glycosylase; minus strand). Cytogenetic location: 1p34.1.
Variant type: Indel.
Coding change: c.1422_1431delinsCTG on transcript NM_001048174.2 (MANE Select); coding-DNA positions 1422 to 1431, AGGGACCTGT replaced by CTG.
Protein change: p.Pro474_Gly475insTer.
Molecular consequence: frameshift variant. On other transcripts: nonsense (1), non-coding transcript variant (7).
Genome position (GRCh38, 1-based): chr1:45,330,519-45,330,528, ACAGGTCCCT replaced by CAG on the plus strand (AGGGACCTGT replaced by CTG on the coding strand, the reverse complement: MUTYH is on the minus strand). VCF-style: chr1-45330519-ACAGGTCCCT-CAG. GRCh37 (hg19) VCF-style: chr1-45796191-ACAGGTCCCT-CAG.
Other names: c.1422_1431delinsCTG, p.Pro474_Gly475insTer (NM_001048171.2, NM_001048173.2, NM_001293195.2 and 6 more transcripts); c.1425_1434delinsCTG, p.Pro475_Gly476insTer (NM_001048172.2, NM_001407071.1, NM_001407078.1 and 1 more transcripts); c.1506_1515delAGGGACCTGTinsCTG, p.Gly503Terfs (NM_001128425.1); c.1506_1515delinsCTG, p.Pro502_Gly503insTer (NM_001128425.2); c.1467_1476delinsCTG, p.Pro489_Gly490insTer (NM_001293190.2); c.1455_1464delinsCTG, p.Pro485_Gly486insTer (NM_001293191.2, NM_001407069.1, NM_001407077.1); c.1146_1155delinsCTG, p.Pro382_Gly383insTer (NM_001293192.2, NM_001293196.2, NM_001407091.1); c.1077_1086delinsCTG, p.Pro359_Gly360insTer (NM_001350650.2, NM_001350651.2, NM_001407082.1); and 6 more.
Identifiers: ClinVar variation 3344404 (VCV003344404.1).